The following is an entry in ClinVar:

ClinVar aggregate classification (germline): Uncertain significance. Review status: criteria provided, multiple submitters, no conflicts (2 of 4 stars). 2 submissions from 2 submitters: Uncertain significance (2). Last evaluated 2026-05-13.

Conditions:
Inborn genetic diseases. Identifiers: MedGen C0950123, MeSH D030342.
PCNT-related disorder. Also called: PCNT-related condition.

gnomAD v4.1: 26 of 1,614,040 alleles (0.0016%); highest among the groups gnomAD compares: South Asian, 0.0055%; no homozygotes.

Submissions (2):

PreventionGenetics, part of Exact Sciences
Classification: Uncertain significance for PCNT-related condition. Last evaluated: 2026-05-13. Review status: criteria provided, single submitter. Criteria: ACMG Guidelines, 2015. Collection method: clinical testing. Allele origin: germline.
Comment: The PCNT c.8642G>A variant is predicted to result in the amino acid substitution p.Arg2881Gln. To our knowledge, this variant has not been reported in the literature. This variant is reported in 0.013% of alleles in individuals of South Asian descent in gnomAD. At this time, the clinical significance of this variant is uncertain due to the absence of conclusive functional and genetic evidence.

Ambry Genetics
Classification: Uncertain significance for Inborn genetic diseases. Last evaluated: 2025-04-03. Review status: criteria provided, single submitter. Criteria: Ambry Variant Classification Scheme 2023. Collection method: clinical testing. Allele origin: germline.

NM_006031.6(PCNT):c.8642G>A (p.Arg2881Gln)

Gene: PCNT (pericentrin; plus strand). Cytogenetic location: 21q22.3.
Variant type: single nucleotide variant.
Coding change: c.8642G>A on transcript NM_006031.6 (MANE Select); coding-DNA position 8642, G replaced by A.
Protein change: p.Arg2881Gln; replaces arginine 2881 with glutamine.
Molecular consequence: missense variant. On other transcripts: intron variant (1).
Genome position (GRCh38, 1-based): chr21:46,432,106, G>A. VCF-style: chr21-46432106-G-A. GRCh37 (hg19) VCF-style: chr21-47852020-G-A.
Other names: c.8160+128G>A (NM_001315529.2); short protein forms R2881Q.
Identifiers: ClinVar variation 3929689 (VCV003929689.2).